The following is an entry in ClinVar:

NM_006231.4(POLE):c.2414A>T (p.Gln805Leu)

Gene: POLE (DNA polymerase epsilon, catalytic subunit; minus strand). Cytogenetic location: 12q24.33.
Variant type: single nucleotide variant.
Coding change: c.2414A>T on transcript NM_006231.4 (MANE Select); coding-DNA position 2414, A replaced by T.
Protein change: p.Gln805Leu; replaces glutamine 805 with leucine.
Molecular consequence: missense variant.
Genome position (GRCh38, 1-based): chr12:132,665,356, T>A on the plus strand (A>T on the coding strand, the complement: POLE is on the minus strand). VCF-style: chr12-132665356-T-A. GRCh37 (hg19) VCF-style: chr12-133241942-T-A.
Other names: short protein forms Q805L.
Identifiers: ClinVar variation 2973820 (VCV002973820.3), dbSNP rs2542073925, ClinGen allele CA387397199.
Genomic context (GRCh38, chr12:132,665,356, plus strand): 5'-ACCTACCCCTTGCGCATGACATAGCCATAGAAGGAGTTCAGGATGCACTTGTGGGCCAGC[T>A]GCAGCGAGTCATACAGCACCTCCATGTTCTTGCAGCGCTTCACCTCAGCCGCGTCGCCCA-3'
Protein context (NP_006222.2, residues 795-815): KNMEVLYDSL[Gln805Leu]LAHKCILNSF

ClinVar aggregate classification (germline): Uncertain significance (1 of 4 stars; one submission).

Submission:

Labcorp Genetics (formerly Invitae), Labcorp
Classification: Uncertain significance. Last evaluated: 2023-01-16. Review status: criteria provided, single submitter. Criteria: Invitae Variant Classification Sherloc (09022015). Collection method: clinical testing. Allele origin: germline.
Comment: In summary, the available evidence is currently insufficient to determine the role of this variant in disease. Therefore, it has been classified as a Variant of Uncertain Significance. Advanced modeling of protein sequence and biophysical properties (such as structural, functional, and spatial information, amino acid conservation, physicochemical variation, residue mobility, and thermodynamic stability) performed at Invitae indicates that this missense variant is expected to disrupt POLE protein function. This variant has not been reported in the literature in individuals affected with POLE-related conditions. This variant is not present in population databases (gnomAD no frequency). This sequence change replaces glutamine, which is neutral and polar, with leucine, which is neutral and non-polar, at codon 805 of the POLE protein (p.Gln805Leu).